The following is an entry in ClinVar:

ClinVar aggregate classification (germline): Likely benign (1 of 4 stars; one submission).

Allele frequency attached by ClinVar (database versions not stated): gnomAD exomes below 0.00001; gnomAD 0.00001.
gnomAD v4.1: 3 of 1,613,794 alleles (0.00019%); highest among the groups gnomAD compares: East Asian, 0.0022%; no homozygotes.

Submission:

CeGaT Center for Human Genetics Tuebingen
Classification: Likely benign. Last evaluated: 2024-05-01. Review status: criteria provided, single submitter. Criteria: CeGaT Center For Human Genetics Tuebingen Variant Classification Criteria Version 2. Collection method: clinical testing. Allele origin: germline. Affected: yes. Observed: 1 variant allele.
Comment: CHD8: BP4, BP7

NM_001170629.2(CHD8):c.1354T>C (p.Leu452=)

Gene: CHD8 (chromodomain helicase DNA binding protein 8; minus strand). Cytogenetic location: 14q11.2.
Variant type: single nucleotide variant.
Coding change: c.1354T>C on transcript NM_001170629.2 (MANE Select); coding-DNA position 1354, T replaced by C.
Protein change: p.Leu452=; no amino-acid change (leucine 452 retained).
Molecular consequence: synonymous variant.
Genome position (GRCh38, 1-based): chr14:21,428,116, A>G on the plus strand (T>C on the coding strand, the complement: CHD8 is on the minus strand). VCF-style: chr14-21428116-A-G. GRCh37 (hg19) VCF-style: chr14-21896275-A-G.
Other names: c.517T>C, p.Leu173= (NM_020920.4).
Identifiers: ClinVar variation 3239130 (VCV003239130.19), dbSNP rs891509031.
Genomic context (GRCh38, chr14:21,428,116, plus strand): 5'-CTCTCGCAATGGCCTCTGCTACAATCCGATTTGCTTTCTCTTGCTTCTTCTGGTGTTCCA[A>G]TCTGCGGTTTTCCTCCATTCCTGTCTTTCCCCCCGAATGAGGAGCAGAGCTTGCTGGTGA-3'
Protein context (NP_001164100.1, residues 442-462): GKTGMEENRR[Leu452=]EHQKKQEKAN